The following is an entry in ClinVar:

ClinVar aggregate classification (germline): Uncertain significance. Review status: criteria provided, multiple submitters, no conflicts (2 of 4 stars). 2 submissions from 2 submitters: Uncertain significance (2). Last evaluated 2023-08-30.

Conditions:
DICER1-related tumor predisposition. Also called: DICER1 syndrome; DICER1-related pleuropulmonary blastoma cancer predisposition syndrome. Identifiers: Orphanet 284343, MedGen C3839822, MONDO:0100216.
Hereditary cancer-predisposing syndrome. Also called: Neoplastic Syndromes, Hereditary; Hereditary neoplastic syndrome; Hereditary Cancer Syndrome; Tumor predisposition. Identifiers: Orphanet 140162, MedGen C0027672, MeSH D009386, MONDO:0015356.

Submissions (2):

Ambry Genetics
Classification: Uncertain significance for Hereditary cancer-predisposing syndrome. Last evaluated: 2023-08-30. Review status: criteria provided, single submitter. Criteria: Ambry Variant Classification Scheme 2023. Collection method: clinical testing. Allele origin: germline.
Comment: The p.S1460L variant (also known as c.4379C>T), located in coding exon 22 of the DICER1 gene, results from a C to T substitution at nucleotide position 4379. The serine at codon 1460 is replaced by leucine, an amino acid with dissimilar properties. This amino acid position is conserved. In addition, this alteration is predicted to be deleterious by in silico analysis. Since supporting evidence is limited at this time, the clinical significance of this alteration remains unclear.

Labcorp Genetics (formerly Invitae), Labcorp
Classification: Uncertain significance for DICER1-related tumor predisposition. Last evaluated: 2018-12-24. Review status: criteria provided, single submitter. Criteria: Invitae Variant Classification Sherloc (09022015). Collection method: clinical testing. Allele origin: germline.
Comment: In summary, the available evidence is currently insufficient to determine the role of this variant in disease. Therefore, it has been classified as a Variant of Uncertain Significance. Algorithms developed to predict the effect of missense changes on protein structure and function are either unavailable or do not agree on the potential impact of this missense change (SIFT: "Deleterious"; PolyPhen-2: "Benign"; Align-GVGD: "Class C0"). This variant has not been reported in the literature in individuals with DICER1-related conditions. This variant is not present in population databases (ExAC no frequency). This sequence change replaces serine with leucine at codon 1460 of the DICER1 protein (p.Ser1460Leu). The serine residue is highly conserved and there is a large physicochemical difference between serine and leucine.

NM_177438.3(DICER1):c.4379C>T (p.Ser1460Leu)

Gene: DICER1 (dicer 1, ribonuclease III; minus strand). Cytogenetic location: 14q32.13.
Variant type: single nucleotide variant.
Coding change: c.4379C>T on transcript NM_177438.3 (MANE Select); coding-DNA position 4379, C replaced by T.
Protein change: p.Ser1460Leu; replaces serine 1460 with leucine.
Molecular consequence: missense variant.
Genome position (GRCh38, 1-based): chr14:95,096,541, G>A on the plus strand (C>T on the coding strand, the complement: DICER1 is on the minus strand). VCF-style: chr14-95096541-G-A. GRCh37 (hg19) VCF-style: chr14-95562878-G-A.
Other names: c.4379C>T, p.Ser1460Leu (NM_001195573.1, NM_001271282.3, NM_001291628.2 and 1 more transcripts); short protein forms S1460L.
Identifiers: ClinVar variation 657837 (VCV000657837.11), dbSNP rs1595341817, ClinGen allele CA390868934.